The following is an entry in ClinVar:

ClinVar aggregate classification (germline): Uncertain significance. Review status: criteria provided, multiple submitters, no conflicts (2 of 4 stars). 3 submissions from 3 submitters: Uncertain significance (3). Last evaluated 2025-08-19.

Conditions:
Cardiovascular phenotype. Identifiers: MedGen CN230736.
Familial hypercholesterolemia. Also called: Familial hypercholesterolemias; Familial hypercholesterolaemia. Identifiers: MedGen C0020445, MONDO:0005439.
Hypercholesterolemia, autosomal dominant, 3 (FHCL3). Also called: Familial Hypercholesterolemia, Autosomal Dominant, 3; PCSK9-Related Familial Hypercholesterolemia, Autosomal Dominant; Familial hypercholesterolemia 3. Identifiers: MedGen C1863551, MONDO:0011369, OMIM 603776.

Allele frequency attached by ClinVar (database versions not stated): gnomAD exomes below 0.00001; TOPMed 0.00001; ExAC 0.00012.
gnomAD v4.1: 5 of 1,542,344 alleles (0.00032%); highest among the groups gnomAD compares: Admixed American, 0.009%; no homozygotes.

Submissions (3):

Ambry Genetics
Classification: Uncertain significance for Cardiovascular phenotype. Last evaluated: 2025-08-19. Review status: criteria provided, single submitter. Criteria: Ambry Variant Classification Scheme 2023. Collection method: clinical testing. Allele origin: germline.

Color Diagnostics, LLC DBA Color Health
Classification: Uncertain significance for Familial hypercholesterolemia. Last evaluated: 2025-07-08. Review status: criteria provided, single submitter. Criteria: ACMG Guidelines, 2015. Collection method: clinical testing. Allele origin: germline.
Comment: This missense variant replaces phenylalanine with tyrosine at codon 318 of the PCSK9 protein. Computational prediction suggests that this variant may not impact protein structure and function. To our knowledge, functional studies have not been reported for this variant. This variant has not been reported in individuals affected with PCSK9-related disorders in the literature. This variant has been identified in 6/191528 chromosomes in the general population by the Genome Aggregation Database (gnomAD). The available evidence is insufficient to determine the role of this variant in disease conclusively. Therefore, this variant is classified as a Variant of Uncertain Significance.

All of Us Research Program, National Institutes of Health
Classification: Uncertain significance for Hypercholesterolemia, autosomal dominant, 3. Last evaluated: 2024-09-23. Review status: criteria provided, single submitter. Criteria: ACMG Guidelines, 2015. Collection method: clinical testing. Allele origin: germline. Inheritance: Autosomal dominant inheritance. Observed: 3 variant alleles, 3 heterozygotes.
Comment: This missense variant replaces phenylalanine with tyrosine at codon 318 of the PCSK9 protein. Computational prediction suggests that this variant may not impact protein structure and function (internally defined REVEL score threshold <= 0.5, PMID: 27666373). To our knowledge, functional studies have not been reported for this variant. This variant has not been reported in individuals affected with PCSK9-related disorders in the literature. This variant has been identified in 6/191528 chromosomes in the general population by the Genome Aggregation Database (gnomAD). The available evidence is insufficient to determine the role of this variant in disease conclusively. Therefore, this variant is classified as a Variant of Uncertain Significance.

This study involves interpretation of variants in research participants for the purpose of population health screening. Participant phenotype was not available at the time of variant classification. Additional details can be found in publication PMID: 35346344, PMCID: PMC8962531

NM_174936.4(PCSK9):c.953T>A (p.Phe318Tyr)

Gene: PCSK9 (proprotein convertase subtilisin/kexin type 9; plus strand). Cytogenetic location: 1p32.3.
Variant type: single nucleotide variant.
Coding change: c.953T>A on transcript NM_174936.4 (MANE Select); coding-DNA position 953, T replaced by A.
Protein change: p.Phe318Tyr; replaces phenylalanine 318 with tyrosine.
Molecular consequence: missense variant. On other transcripts: non-coding transcript variant (8).
Genome position (GRCh38, 1-based): chr1:55,056,146, T>A. VCF-style: chr1-55056146-T-A. GRCh37 (hg19) VCF-style: chr1-55521819-T-A.
Other names: c.1076T>A, p.Phe359Tyr (NM_001407240.1); c.953T>A, p.Phe318Tyr (NM_001407241.1, NM_001407244.1, NM_001407247.1); c.956T>A, p.Phe319Tyr (NM_001407242.1); c.896T>A, p.Phe299Tyr (NM_001407243.1); c.761T>A, p.Phe254Tyr (NM_001407245.1); c.578T>A, p.Phe193Tyr (NM_001407246.1); short protein forms F193Y, F254Y, F299Y, F318Y, F319Y, F359Y.
Identifiers: ClinVar variation 3073700 (VCV003073700.4), dbSNP rs781413796, ClinGen allele CA045195.